The following is an entry in ClinVar:

NM_000536.4(RAG2):c.954del (p.Phe318fs)

Gene: RAG2 (recombination activating 2; minus strand). Cytogenetic location: 11p12.
Variant type: Deletion.
Coding change: c.954del on transcript NM_000536.4 (MANE Select); coding-DNA position 954, one base deleted (T; older notation c.954delT).
Protein change: p.Phe318fs; shifts the reading frame from phenylalanine 318.
Molecular consequence: frameshift variant.
Genome position (GRCh38, 1-based): chr11:36,593,215, A deleted on the plus strand (T on the coding strand, the reverse complement: RAG2 is on the minus strand); the first of 3 consecutive A bases (chr11:36,593,215-36,593,217); deleting any one gives the same sequence. VCF-style (leftmost placement, unchanged base first): chr11-36593214-CA-C. GRCh37 (hg19) VCF-style: chr11-36614764-CA-C.
Other names: c.954del, p.Phe318fs (NM_001243785.2, NM_001243786.2); short protein forms F318fs.
Identifiers: ClinVar variation 1067734 (VCV001067734.9), dbSNP rs2133312873, ClinGen allele CA2499220938.

ClinVar aggregate classification (germline): Likely pathogenic (1 of 4 stars; one submission).

Conditions:
Combined immunodeficiency with skin granulomas. Identifiers: Orphanet 157949, MedGen C2673536, MONDO:0009306, OMIM 233650.
Severe combined immunodeficiency, autosomal recessive, T cell-negative, B cell-negative, NK cell-positive. Also called: SCID, T CELL-NEGATIVE, B CELL-NEGATIVE, NK CELL-POSITIVE; SCID, AR, T-cell negative, B-cell negative, NK cell-positive; Severe combined immunodeficiency due to complete RAG1/2 deficiency. Identifiers: Orphanet 331206, MedGen C1832322, MONDO:0011086, OMIM 601457.

Submission:

Labcorp Genetics (formerly Invitae), Labcorp
Classification: Likely pathogenic for Combined immunodeficiency with skin granulomas; Severe combined immunodeficiency, autosomal recessive, T cell-negative, B cell-negative, NK cell-positive. Last evaluated: 2020-03-05. Review status: criteria provided, single submitter. Criteria: Invitae Variant Classification Sherloc (09022015). Collection method: clinical testing. Allele origin: germline.
Comment: This sequence change results in a premature translational stop signal in the RAG2 gene (p.Phe318Leufs*31). While this is not anticipated to result in nonsense mediated decay, it is expected to disrupt the last 210 amino acids of the RAG2 protein. This variant is not present in population databases (ExAC no frequency). This variant has not been reported in the literature in individuals with RAG2-related conditions. This variant disrupts the C-terminus of the RAG2 protein. Other variant(s) that disrupt this region (p.His468Argfs*16, p.E480*, p.Arg523Glufs*49) have been observed in individuals with RAG2-related conditions (PMID:26915675, 21624848, 24144642 ). This suggests that this may be a clinically significant region of the protein. In summary, the currently available evidence indicates that the variant is pathogenic, but additional data are needed to prove that conclusively. Therefore, this variant has been classified as Likely Pathogenic.

Literature cited by the submitters: PubMed 26915675; PubMed 21624848; PubMed 24144642.